The following is an entry in ClinVar:

ClinVar aggregate classification (germline): Uncertain significance. Review status: criteria provided, multiple submitters, no conflicts (2 of 4 stars). 3 submissions from 3 submitters: Uncertain significance (3). Last evaluated 2025-08-27.

Conditions:
Inborn genetic diseases. Identifiers: MedGen C0950123, MeSH D030342.

gnomAD v4.1: 15 of 1,612,884 alleles (0.00093%); highest among the groups gnomAD compares: Non-Finnish European, 0.0013%; no homozygotes.

Submissions (3):

Ambry Genetics
Classification: Uncertain significance for Inborn genetic diseases. Last evaluated: 2025-08-27. Review status: criteria provided, single submitter. Criteria: Ambry Variant Classification Scheme 2023. Collection method: clinical testing. Allele origin: germline.

GeneDx
Classification: Uncertain significance. Last evaluated: 2024-11-25. Review status: criteria provided, single submitter. Criteria: GeneDx Variant Classification Process June 2021. Collection method: clinical testing. Allele origin: germline. Affected: yes.
Comment: Not observed at significant frequency in large population cohorts (gnomAD); In silico analysis indicates that this missense variant does not alter protein structure/function; Has not been previously published as pathogenic or benign to our knowledge

Labcorp Genetics (formerly Invitae), Labcorp
Classification: Uncertain significance. Last evaluated: 2024-04-22. Review status: criteria provided, single submitter. Criteria: Invitae Variant Classification Sherloc (09022015). Collection method: clinical testing. Allele origin: germline.
Comment: This sequence change replaces histidine, which is basic and polar, with glutamine, which is neutral and polar, at codon 786 of the FBXO11 protein (p.His786Gln). This variant is present in population databases (no rsID available, gnomAD 0.002%). This variant has not been reported in the literature in individuals affected with FBXO11-related conditions. An algorithm developed to predict the effect of missense changes on protein structure and function (PolyPhen-2) suggests that this variant is likely to be disruptive. In summary, the available evidence is currently insufficient to determine the role of this variant in disease. Therefore, it has been classified as a Variant of Uncertain Significance.

NM_001190274.2(FBXO11):c.2358C>G (p.His786Gln)

Genes: FBXO11 (F-box protein 11; minus strand), MSH6 (mutS homolog 6; plus strand). Cytogenetic location: 2p16.3.
Variant type: single nucleotide variant.
Coding change: c.2358C>G on transcript NM_001190274.2 (MANE Select); coding-DNA position 2358, C replaced by G.
Protein change: p.His786Gln; replaces histidine 786 with glutamine.
Molecular consequence: missense variant. On other transcripts: intron variant (6).
Genome position (GRCh38, 1-based): chr2:47,809,688, G>C on the plus strand (C>G on the coding strand, the complement: FBXO11 is on the minus strand). VCF-style: chr2-47809688-G-C. GRCh37 (hg19) VCF-style: chr2-48036827-G-C.
Other names: c.2106C>G, p.His702Gln (NM_001374325.1, NM_025133.4); c.*44-311G>C (NM_001406809.1); c.*41-311G>C (NM_001406796.1, NM_001406811.1, NM_001406805.1 and 2 more transcripts); short protein forms H702Q, H786Q.
Identifiers: ClinVar variation 3624046 (VCV003624046.4).